The following is an entry in ClinVar:

ClinVar aggregate classification (germline): Pathogenic. Review status: criteria provided, multiple submitters, no conflicts (2 of 4 stars). 4 submissions from 4 submitters: Pathogenic (2). 2 of the submissions do not count toward it. Last evaluated 2025-01-30.

Conditions:
Hereditary cancer-predisposing syndrome. Also called: Tumor predisposition; Hereditary neoplastic syndrome; Neoplastic Syndromes, Hereditary; Hereditary Cancer Syndrome. Identifiers: Orphanet 140162, MedGen C0027672, MeSH D009386, MONDO:0015356.
Cardiovascular phenotype. Identifiers: MedGen CN230736.
Neurofibromatosis, type 1 (NF1). Also called: Peripheral type neurofibromatosis; VON RECKLINGHAUSEN DISEASE; Neurofibromatosis, type I; NEUROFIBROMATOSIS, TYPE I, SOMATIC. Identifiers: Orphanet 636, MedGen C0027831, MONDO:0018975, OMIM 162200. Disease mechanism: loss of function.

Submissions (4):

Labcorp Genetics (formerly Invitae), Labcorp
Classification: Pathogenic for Neurofibromatosis, type 1. Last evaluated: 2025-01-30. Review status: criteria provided, single submitter. Criteria: Invitae Variant Classification Sherloc (09022015). Collection method: clinical testing. Allele origin: germline.
Comment: This sequence change creates a premature translational stop signal (p.Asp946*) in the NF1 gene. It is expected to result in an absent or disrupted protein product. Loss-of-function variants in NF1 are known to be pathogenic (PMID: 10712197, 23913538). This variant is not present in population databases (gnomAD no frequency). This premature translational stop signal has been observed in individual(s) with clinical features of neurofibromatosis type 1 (PMID: 16835897). This variant is also known as c.2835_2836insT (p.Phe944fs, PTC946). ClinVar contains an entry for this variant (Variation ID: 939599). For these reasons, this variant has been classified as Pathogenic.

Ambry Genetics
Classification: Pathogenic for Cardiovascular phenotype; Hereditary cancer-predisposing syndrome. Last evaluated: 2023-10-16. Review status: criteria provided, single submitter. Criteria: Ambry Variant Classification Scheme 2023. Collection method: clinical testing. Allele origin: germline.
Comment: The p.D946* pathogenic mutation (also known as c.2835dupT), located in coding exon 21 of the NF1 gene, results from a duplication of T at nucleotide position 2835. This changes the amino acid from an aspartic acid to a stop codon within coding exon 21. This variant is considered to be rare based on population cohorts in the Genome Aggregation Database (gnomAD). In addition to the clinical data presented in the literature, this alteration is expected to result in loss of function by premature protein truncation or nonsense-mediated mRNA decay. As such, this alteration is interpreted as a disease-causing mutation.

Clinical Genetics DNA and cytogenetics Diagnostics Lab, Erasmus MC, Erasmus Medical Center
Classification: Pathogenic. Review status: no assertion criteria provided. Collection method: clinical testing. Allele origin: germline. Affected: yes. Study: VKGL Data-share Consensus. Not counted in ClinVar's aggregate classification.

Joint Genome Diagnostic Labs from Nijmegen and Maastricht, Radboudumc and MUMC+
Classification: Pathogenic. Review status: no assertion criteria provided. Collection method: clinical testing. Allele origin: germline. Affected: yes. Study: VKGL Data-share Consensus. Not counted in ClinVar's aggregate classification.

Literature cited by the submitters: PubMed 10712197 (cited by Labcorp Genetics (formerly Invitae), Labcorp); PubMed 23913538 (cited by Labcorp Genetics (formerly Invitae), Labcorp); PubMed 16835897 (cited by Labcorp Genetics (formerly Invitae), Labcorp).

NM_001042492.3(NF1):c.2835dup (p.Asp946Ter)

Gene: NF1 (neurofibromin 1; plus strand). Cytogenetic location: 17q11.2.
Variant type: Duplication.
Coding change: c.2835dup on transcript NM_001042492.3 (MANE Select); coding-DNA position 2835, one base duplicated (T; older notation c.2835dupT).
Protein change: p.Asp946Ter; replaces aspartic acid 946 with a stop codon.
Molecular consequence: nonsense. On other transcripts: frameshift variant (1).
Genome position (GRCh38, 1-based): chr17:31,229,450, T duplicated; the last of 6 consecutive T bases (chr17:31,229,445-31,229,450); duplicating any one gives the same sequence. VCF-style (leftmost placement, unchanged base first): chr17-31229444-G-GT. GRCh37 (hg19) VCF-style: chr17-29556462-G-GT.
Other names: c.2835dup, p.Asp946Terfs (NM_000267.4); c.2835dupT (NM_000267.3); short protein forms D946*.
Identifiers: ClinVar variation 939599 (VCV000939599.9), dbSNP rs1567849208, ClinGen allele CA499229284.